The following is an entry in ClinVar:

NC_000015.9:g.(?_73614822)_(73617805_?)del

Gene: HCN4 (hyperpolarization activated cyclic nucleotide gated potassium channel 4; minus strand). Cytogenetic location: 15q24.1.
Variant type: Deletion.
Identifiers: ClinVar variation 3243818 (VCV003243818.1).

ClinVar aggregate classification (germline): Uncertain significance (1 of 4 stars; one submission).

Conditions:
Brugada syndrome 8 (BRGDA8). Identifiers: Orphanet 130, MedGen C2751083, MONDO:0013148, OMIM 613123.

Submission:

Labcorp Genetics (formerly Invitae), Labcorp
Classification: Uncertain significance for Brugada syndrome 8. Last evaluated: 2023-10-04. Review status: criteria provided, single submitter. Criteria: Invitae Variant Classification Sherloc (09022015). Collection method: clinical testing. Allele origin: unknown.
Comment: This variant is a gross deletion of the genomic region encompassing exon(s) 5-8 of the HCN4 gene, which includes the termination codon. This deletion extends beyond the assayed region for this gene and therefore may encompass additional genes. While this deletion is not anticipated to lead to nonsense mediated decay, it is expected to alter mRNA translation or result in a truncated protein product. This variant has not been reported in the literature in individuals affected with HCN4-related conditions. Experimental studies and prediction algorithms are not available or were not evaluated, and the functional significance of this variant is currently unknown. In summary, the available evidence is currently insufficient to determine the role of this variant in disease. Therefore, it has been classified as a Variant of Uncertain Significance.